The following is an entry in ClinVar:

NM_002282.3(KRT83):c.837C>G (p.Ile279Met)

Gene: KRT83 (keratin 83; minus strand). Cytogenetic location: 12q13.13.
Variant type: single nucleotide variant.
Coding change: c.837C>G on transcript NM_002282.3 (MANE Select); coding-DNA position 837, C replaced by G.
Protein change: p.Ile279Met; replaces isoleucine 279 with methionine.
Molecular consequence: missense variant.
Genome position (GRCh38, 1-based): chr12:52,316,937, G>C on the plus strand (C>G on the coding strand, the complement: KRT83 is on the minus strand). VCF-style: chr12-52316937-G-C. GRCh37 (hg19) VCF-style: chr12-52710721-G-C.
Other names: short protein forms I279M.
Identifiers: ClinVar variation 309517 (VCV000309517.16), dbSNP rs2852464, ClinGen allele CA6577506.

ClinVar aggregate classification (germline): Benign. Review status: criteria provided, multiple submitters, no conflicts (2 of 4 stars). 4 submissions from 4 submitters: Benign (4). Last evaluated 2026-02-04.

Conditions:
Monilethrix. Also called: Beaded hair. Identifiers: Orphanet 573, MedGen C0546966, MONDO:0008009, HP:0032470.

Allele frequency attached by ClinVar (database versions not stated): 1000 Genomes Project 30x 0.36790; ExAC 0.36239; ESP Exome Variant Server 0.40781; 1000 Genomes Project 0.35923; gnomAD 0.38611; TOPMed 0.39001.

Submissions (4):

Labcorp Genetics (formerly Invitae), Labcorp
Classification: Benign. Last evaluated: 2026-02-04. Review status: criteria provided, single submitter. Criteria: Invitae Variant Classification Sherloc (09022015). Collection method: clinical testing. Allele origin: germline.

GeneDx
Classification: Benign. Last evaluated: 2018-11-12. Review status: criteria provided, single submitter. Criteria: GeneDx Variant Classification Process June 2021. Collection method: clinical testing. Allele origin: germline. Affected: yes.

Illumina Laboratory Services, Illumina
Classification: Benign for Monilethrix-1. Last evaluated: 2018-01-12. Review status: criteria provided, single submitter. Criteria: ICSL Variant Classification Criteria 13 December 2019. Collection method: clinical testing. Allele origin: germline.
Comment: This variant was observed in the ICSL laboratory as part of a predisposition screen in an ostensibly healthy population. It had not been previously curated by ICSL or reported in the Human Gene Mutation Database (HGMD: prior to June 1st, 2018), and was therefore a candidate for classification through an automated scoring system. Utilizing variant allele frequency, disease prevalence and penetrance estimates, and inheritance mode, an automated score was calculated to assess if this variant is too frequent to cause the disease. Based on the score and internal cut-off values, a variant classified as benign is not then subjected to further curation. The score for this variant resulted in a classification of benign for this disease.

Breakthrough Genomics
Classification: Benign. Review status: criteria provided, single submitter. Criteria: ACMG Guidelines, 2015. Collection method: not provided. Allele origin: germline. Inheritance: Autosomal recessive inheritance. Affected: yes.